The following is an entry in ClinVar:

ClinVar aggregate classification (germline): Uncertain significance. Review status: criteria provided, multiple submitters, no conflicts (2 of 4 stars). 2 submissions from 2 submitters: Uncertain significance (2). Last evaluated 2025-10-17.

Submissions (2):

Women's Health and Genetics/Laboratory Corporation of America, LabCorp
Classification: Uncertain significance. Last evaluated: 2025-10-17. Review status: criteria provided, single submitter. Criteria: LabCorp Variant Classification Summary - May 2015. Collection method: clinical testing. Allele origin: germline.
Comment: Variant summary: AUTS2 c.3378_3379insAGCCACCAC (p.His1126_His1127insSerHisHis) results in an in-frame insertion that is predicted to insert 3 amino acids into the encoded protein. The variant was absent in 189948 control chromosomes. The available data on variant occurrences in the general population are insufficient to allow any conclusion about variant significance. To our knowledge, no occurrence of c.3378_3379insAGCCACCAC in individuals affected with AUTS2-related conditions and no experimental evidence demonstrating its impact on protein function have been reported. ClinVar contains an entry for this variant (Variation ID: 2444755). Based on the evidence outlined above, the variant was classified as uncertain significance.

GeneDx
Classification: Uncertain significance. Last evaluated: 2022-09-16. Review status: criteria provided, single submitter. Criteria: GeneDx Variant Classification Process June 2021. Collection method: clinical testing. Allele origin: germline. Affected: yes.
Comment: Not observed at significant frequency in large population cohorts (gnomAD); In-frame insertion of 3 amino acids in a repetitive region with no known function; Has not been previously published as pathogenic or benign to our knowledge

NM_015570.4(AUTS2):c.3378_3379insAGCCACCAC (p.His1126_His1127insSerHisHis)

Gene: AUTS2 (activator of transcription and developmental regulator AUTS2; plus strand). Cytogenetic location: 7q11.22.
Variant type: Insertion.
Coding change: c.3378_3379insAGCCACCAC on transcript NM_015570.4 (MANE Select); coding-DNA positions 3378 to 3379, AGCCACCAC inserted.
Protein change: p.His1126_His1127insSerHisHis.
Molecular consequence: inframe insertion.
Genome position: GRCh38 VCF-style: chr7-70790590-G-GCCACAGCCA. GRCh37 (hg19) VCF-style: chr7-70255576-G-GCCACAGCCA.
Other names: c.3306_3307insAGCCACCAC, p.His1102_His1103insSerHisHis (NM_001127231.3).
Identifiers: ClinVar variation 2444755 (VCV002444755.2), dbSNP rs1554489207, ClinGen allele CA841728291.